The following is an entry in ClinVar:

NM_018972.4(GDAP1):c.934del (p.Ala312fs)

Gene: GDAP1 (ganglioside induced differentiation associated protein 1; plus strand). Cytogenetic location: 8q21.11.
Variant type: Deletion.
Coding change: c.934del on transcript NM_018972.4 (MANE Select); coding-DNA position 934, one base deleted (G; older notation c.934delG).
Protein change: p.Ala312fs; shifts the reading frame from alanine 312.
Molecular consequence: frameshift variant. On other transcripts: intron variant (1).
Genome position (GRCh38, 1-based): chr8:74,364,224, G deleted; the last of 2 consecutive G bases (chr8:74,364,223-74,364,224); deleting either gives the same sequence. VCF-style (leftmost placement, unchanged base first): chr8-74364222-TG-T. GRCh37 (hg19) VCF-style: chr8-75276457-TG-T.
Other names: c.730del, p.Ala244fs (NM_001040875.4); c.607del, p.Ala203fs (NM_001362929.2, NM_001362932.2); c.760del, p.Ala254fs (NM_001362930.2); c.694+1171del (NM_001362931.2); short protein forms A244fs, A254fs, A203fs, A312fs.
Identifiers: ClinVar variation 2028969 (VCV002028969.4), dbSNP rs2536750938, ClinGen allele CA2580078954.
Genomic context (GRCh38, chr8:74,364,222, plus strand): 5'-AGGTTTTAGGACATGTCAACAATATATTAATCTCTGCAGTGCTGCCAACAGCATTCCGGG[TG>T]GCCAAGAAAAGGGCCCCAAAAGTTCTTGGCACGACCCTTGTGGTTGGTTTGCTTGCAGGA-3'

ClinVar aggregate classification (germline): Pathogenic (1 of 4 stars; one submission).

Conditions:
Charcot-Marie-Tooth disease type 4A. Also called: Charcot-Marie-Tooth disease, demyelinating, autosomal recessive, type 4a. Identifiers: Orphanet 99948, MedGen C1859198, MONDO:0008961, OMIM 214400.

Submission:

Labcorp Genetics (formerly Invitae), Labcorp
Classification: Pathogenic for Charcot-Marie-Tooth disease type 4A. Last evaluated: 2024-09-27. Review status: criteria provided, single submitter. Criteria: Invitae Variant Classification Sherloc (09022015). Collection method: clinical testing. Allele origin: germline.
Comment: This sequence change creates a premature translational stop signal (p.Ala312Profs*36) in the GDAP1 gene. While this is not anticipated to result in nonsense mediated decay, it is expected to disrupt the last 47 amino acid(s) of the GDAP1 protein. This variant is not present in population databases (gnomAD no frequency). This variant has not been reported in the literature in individuals affected with GDAP1-related conditions. ClinVar contains an entry for this variant (Variation ID: 2028969). Experimental studies and prediction algorithms are not available or were not evaluated, and the functional significance of this variant is currently unknown. This variant disrupts a region of the GDAP1 protein in which other variant(s) (p.Gly327Asp) have been determined to be pathogenic (PMID: 21365284; internal data). This suggests that this is a clinically significant region of the protein, and that variants that disrupt it are likely to be disease-causing. For these reasons, this variant has been classified as Pathogenic.

Literature cited by the submitters: PubMed 21365284.